The following is an entry in ClinVar:

NM_000136.3(FANCC):c.1054C>G (p.Leu352Val)

Genes: AOPEP (aminopeptidase O (putative); plus strand), FANCC (FA complementation group C; minus strand). Cytogenetic location: 9q22.32.
Variant type: single nucleotide variant.
Coding change: c.1054C>G on transcript NM_000136.3 (MANE Select); coding-DNA position 1054, C replaced by G.
Protein change: p.Leu352Val; replaces leucine 352 with valine.
Molecular consequence: missense variant.
Genome position (GRCh38, 1-based): chr9:95,117,333, G>C on the plus strand (C>G on the coding strand, the complement: FANCC is on the minus strand). VCF-style: chr9-95117333-G-C. GRCh37 (hg19) VCF-style: chr9-97879615-G-C.
Other names: c.1054C>G, p.Leu352Val (NM_001243743.2, NM_001243744.2); short protein forms L352V.
Identifiers: ClinVar variation 2585983 (VCV002585983.2), dbSNP rs1267804543, ClinGen allele CA374108124.

ClinVar aggregate classification (germline): Uncertain significance (1 of 4 stars; one submission).

Conditions:
Hereditary cancer-predisposing syndrome. Also called: Hereditary neoplastic syndrome; Tumor predisposition; Hereditary Cancer Syndrome; Neoplastic Syndromes, Hereditary. Identifiers: Orphanet 140162, MedGen C0027672, MeSH D009386, MONDO:0015356.

Submission:

Ambry Genetics
Classification: Uncertain significance for Hereditary cancer-predisposing syndrome. Last evaluated: 2023-08-30. Review status: criteria provided, single submitter. Criteria: Ambry Variant Classification Scheme 2023. Collection method: clinical testing. Allele origin: germline.
Comment: The p.L352V variant (also known as c.1054C>G), located in coding exon 10 of the FANCC gene, results from a C to G substitution at nucleotide position 1054. The leucine at codon 352 is replaced by valine, an amino acid with highly similar properties. This amino acid position is conserved. In addition, this alteration is predicted to be tolerated by in silico analysis. Since supporting evidence is limited at this time, the clinical significance of this alteration remains unclear.